The following is an entry in ClinVar:

NM_003126.4(SPTA1):c.1913A>C (p.Glu638Ala)

Gene: SPTA1 (spectrin alpha, erythrocytic 1; minus strand). Cytogenetic location: 1q23.1.
Variant type: single nucleotide variant.
Coding change: c.1913A>C on transcript NM_003126.4 (MANE Select); coding-DNA position 1913, A replaced by C.
Protein change: p.Glu638Ala; replaces glutamic acid 638 with alanine.
Molecular consequence: missense variant.
Genome position (GRCh38, 1-based): chr1:158,667,983, T>G on the plus strand (A>C on the coding strand, the complement: SPTA1 is on the minus strand). VCF-style: chr1-158667983-T-G. GRCh37 (hg19) VCF-style: chr1-158637773-T-G.
Other names: c.1913A>C (NM_003126.2); short protein forms E638A.
Identifiers: ClinVar variation 1942212 (VCV001942212.8), dbSNP rs770031122, ClinGen allele CA1183568.

ClinVar aggregate classification (germline): Uncertain significance. Review status: criteria provided, multiple submitters, no conflicts (2 of 4 stars). 3 submissions from 3 submitters: Uncertain significance (3). Last evaluated 2025-06-23.

Allele frequency attached by ClinVar (database versions not stated): TOPMed below 0.00001; ExAC 0.00001; gnomAD exomes 0.00001.

Submissions (3):

Ambry Genetics
Classification: Uncertain significance. Last evaluated: 2025-06-23. Review status: criteria provided, single submitter. Criteria: Ambry Variant Classification Scheme 2023. Collection method: clinical testing. Allele origin: germline.

Revvity Omics, Revvity
Classification: Uncertain significance. Last evaluated: 2023-02-27. Review status: criteria provided, single submitter. Criteria: ACMG Guidelines, 2015. Collection method: clinical testing. Allele origin: germline.

Labcorp Genetics (formerly Invitae), Labcorp
Classification: Uncertain significance. Last evaluated: 2022-07-31. Review status: criteria provided, single submitter. Criteria: Invitae Variant Classification Sherloc (09022015). Collection method: clinical testing. Allele origin: germline.
Comment: This sequence change replaces glutamic acid, which is acidic and polar, with alanine, which is neutral and non-polar, at codon 638 of the SPTA1 protein (p.Glu638Ala). This variant is present in population databases (rs770031122, gnomAD 0.0009%). This variant has not been reported in the literature in individuals affected with SPTA1-related conditions. In summary, the available evidence is currently insufficient to determine the role of this variant in disease. Therefore, it has been classified as a Variant of Uncertain Significance. Algorithms developed to predict the effect of missense changes on protein structure and function are either unavailable or do not agree on the potential impact of this missense change (SIFT: "Tolerated"; PolyPhen-2: "Benign"; Align-GVGD: "Class C25").